The following is an entry in ClinVar:

NM_017780.4(CHD7):c.8957G>T (p.Gly2986Val)

Gene: CHD7 (chromodomain helicase DNA binding protein 7; plus strand). Cytogenetic location: 8q12.2.
Variant type: single nucleotide variant.
Coding change: c.8957G>T on transcript NM_017780.4 (MANE Select); coding-DNA position 8957, G replaced by T.
Protein change: p.Gly2986Val; replaces glycine 2986 with valine.
Molecular consequence: missense variant.
Genome position (GRCh38, 1-based): chr8:60,865,896, G>T. VCF-style: chr8-60865896-G-T. GRCh37 (hg19) VCF-style: chr8-61778455-G-T.
Other names: c.2810G>T, p.Gly937Val (NM_001316690.1); short protein forms G2986V, G937V.
Identifiers: ClinVar variation 1309632 (VCV001309632.7), dbSNP rs374004489, ClinGen allele CA371313479.

ClinVar aggregate classification (germline): Uncertain significance. Review status: criteria provided, multiple submitters, no conflicts (2 of 4 stars). 2 submissions from 2 submitters: Uncertain significance (2). Last evaluated 2022-10-22.

Conditions:
CHD7-related CHARGE syndrome. Identifiers: MedGen CN380413, MONDO:1010178, OMIM 214800.
Hypogonadotropic hypogonadism 5 with or without anosmia (KAL5). Also called: HYPOGONADOTROPIC HYPOGONADISM 5 WITH ANOSMIA; CHD7-Related GnRH Deficiency (Kallmann Syndrome 5); HYPOGONADOTROPHIC HYPOGONADISM 5 WITHOUT ANOSMIA. Identifiers: Orphanet 478, MedGen C3552553, MONDO:0012880, OMIM 612370. Disease mechanism: loss of function.
CHARGE syndrome (CHARGE). Also called: Hittner Hirsch Kreh syndrome; CHARGE ASSOCIATION--COLOBOMA, HEART ANOMALY, CHOANAL ATRESIA, RETARDATION, GENITAL AND EAR ANOMALIES; Coloboma, heart anomaly, choanal atresia, retardation, genital and ear anomalies; CHARGE association; Hall-Hittner syndrome. Identifiers: Orphanet 138, MedGen C0265354, MONDO:0008965.

gnomAD v4.1: 1 of 1,609,180 alleles (0.000062%); highest among the groups gnomAD compares: Non-Finnish European, 0.000085%; no homozygotes.

Submissions (2):

Labcorp Genetics (formerly Invitae), Labcorp
Classification: Uncertain significance for CHARGE syndrome. Last evaluated: 2022-10-22. Review status: criteria provided, single submitter. Criteria: Invitae Variant Classification Sherloc (09022015). Collection method: clinical testing. Allele origin: germline.
Comment: This variant has not been reported in the literature in individuals affected with CHD7-related conditions. This sequence change replaces glycine, which is neutral and non-polar, with valine, which is neutral and non-polar, at codon 2986 of the CHD7 protein (p.Gly2986Val). This variant is not present in population databases (gnomAD no frequency). ClinVar contains an entry for this variant (Variation ID: 1309632). Advanced modeling of protein sequence and biophysical properties (such as structural, functional, and spatial information, amino acid conservation, physicochemical variation, residue mobility, and thermodynamic stability) has been performed at Invitae for this missense variant, however the output from this modeling did not meet the statistical confidence thresholds required to predict the impact of this variant on CHD7 protein function. In summary, the available evidence is currently insufficient to determine the role of this variant in disease. Therefore, it has been classified as a Variant of Uncertain Significance.

GeneDx
Classification: Uncertain significance. Last evaluated: 2019-11-07. Review status: criteria provided, single submitter. Criteria: GeneDx Variant Classification Process June 2021. Collection method: clinical testing. Allele origin: germline. Affected: yes.
Comment: Not observed in large population cohorts (Lek et al., 2016); In silico analysis, which includes protein predictors and evolutionary conservation, supports that this variant does not alter protein structure/function; Has not been previously published as pathogenic or benign to our knowledge